The following is an entry in ClinVar:

ClinVar aggregate classification (germline): Uncertain significance (1 of 4 stars; one submission).

Conditions:
Severe myoclonic epilepsy in infancy (DRVT). Also called: DEVELOPMENTAL AND EPILEPTIC ENCEPHALOPATHY 6A; Severe Myoclonic Epilepsy in Infancy (SMEI); SEVERE MYOCLONIC EPILEPSY OF INFANCY; Dravet syndrome; Epileptic encephalopathy, early infantile, 6 (Dravet syndrome). Identifiers: Orphanet 33069, MedGen C0751122, MONDO:0100135, OMIM 607208.

Allele frequency attached by ClinVar (database versions not stated): gnomAD exomes below 0.00001; ExAC 0.00001; gnomAD 0.00001; 1000 Genomes Project 30x 0.00016; 1000 Genomes Project 0.00020.
gnomAD v4.1: 1 of 1,614,198 alleles (0.000062%); highest among the groups gnomAD compares: Non-Finnish European, 0.000085%; no homozygotes.

Submission:

Labcorp Genetics (formerly Invitae), Labcorp
Classification: Uncertain significance for Severe myoclonic epilepsy in infancy. Last evaluated: 2022-09-07. Review status: criteria provided, single submitter. Criteria: Invitae Variant Classification Sherloc (09022015). Collection method: clinical testing. Allele origin: germline.
Comment: In summary, the available evidence is currently insufficient to determine the role of this variant in disease. Therefore, it has been classified as a Variant of Uncertain Significance. Algorithms developed to predict the effect of missense changes on protein structure and function are either unavailable or do not agree on the potential impact of this missense change (SIFT: "Deleterious"; PolyPhen-2: "Benign"; Align-GVGD: "Class C0"). ClinVar contains an entry for this variant (Variation ID: 1505912). This variant has not been reported in the literature in individuals affected with SNX27-related conditions. This variant is present in population databases (rs546091137, gnomAD 0.0009%). This sequence change replaces glutamine, which is neutral and polar, with arginine, which is basic and polar, at codon 152 of the SNX27 protein (p.Gln152Arg).

NM_001330723.2(SNX27):c.455A>G (p.Gln152Arg)

Gene: SNX27 (sorting nexin 27; plus strand). Cytogenetic location: 1q21.3.
Variant type: single nucleotide variant.
Coding change: c.455A>G on transcript NM_001330723.2 (MANE Select); coding-DNA position 455, A replaced by G.
Protein change: p.Gln152Arg; replaces glutamine 152 with arginine.
Molecular consequence: missense variant.
Genome position (GRCh38, 1-based): chr1:151,639,031, A>G. VCF-style: chr1-151639031-A-G. GRCh37 (hg19) VCF-style: chr1-151611507-A-G.
Other names: c.455A>G, p.Gln152Arg (NM_030918.6); short protein forms Q152R.
Identifiers: ClinVar variation 1505912 (VCV001505912.8), dbSNP rs546091137, ClinGen allele CA1093421.